The following is an entry in ClinVar:

ClinVar aggregate classification (germline): Uncertain significance (1 of 4 stars; one submission).

Conditions:
Dyskeratosis congenita. Identifiers: Orphanet 1775, MedGen C0265965, MONDO:0015780.

Submission:

Labcorp Genetics (formerly Invitae), Labcorp
Classification: Uncertain significance for Dyskeratosis congenita. Last evaluated: 2025-09-15. Review status: criteria provided, single submitter. Criteria: Invitae Variant Classification Sherloc (09022015). Collection method: clinical testing. Allele origin: germline.
Comment: This sequence change replaces proline, which is neutral and non-polar, with serine, which is neutral and polar, at codon 757 of the CTC1 protein (p.Pro757Ser). This variant is present in population databases (no rsID available, gnomAD 0.01%). This variant has not been reported in the literature in individuals affected with CTC1-related conditions. Invitae Evidence Modeling of protein sequence and biophysical properties (such as structural, functional, and spatial information, amino acid conservation, physicochemical variation, residue mobility, and thermodynamic stability) indicates that this missense variant is not expected to disrupt CTC1 protein function with a negative predictive value of 80%. In summary, the available evidence is currently insufficient to determine the role of this variant in disease. Therefore, it has been classified as a Variant of Uncertain Significance.

NM_025099.6(CTC1):c.2269C>T (p.Pro757Ser)

Gene: CTC1 (CST telomere replication complex component 1; minus strand). Cytogenetic location: 17p13.1.
Variant type: single nucleotide variant.
Coding change: c.2269C>T on transcript NM_025099.6 (MANE Select); coding-DNA position 2269, C replaced by T.
Protein change: p.Pro757Ser; replaces proline 757 with serine.
Molecular consequence: missense variant. On other transcripts: non-coding transcript variant (1).
Genome position (GRCh38, 1-based): chr17:8,232,019, G>A on the plus strand (C>T on the coding strand, the complement: CTC1 is on the minus strand). VCF-style: chr17-8232019-G-A. GRCh37 (hg19) VCF-style: chr17-8135337-G-A.
Other names: c.2269C>T, p.Pro757Ser (NM_001411067.1); short protein forms P757S.
Identifiers: ClinVar variation 4703593 (VCV004703593.1).